The following is an entry in ClinVar:

ClinVar aggregate classification (germline): Uncertain significance (1 of 4 stars; one submission).

Conditions:
Supravalvar aortic stenosis (SVAS). Also called: Supravalvar aortic stenosis, Eisenberg type. Identifiers: Orphanet 3193, MedGen C0003499, MONDO:0008504, OMIM 185500, HP:0004381.

Submission:

Labcorp Genetics (formerly Invitae), Labcorp
Classification: Uncertain significance for Supravalvar aortic stenosis. Last evaluated: 2019-08-20. Review status: criteria provided, single submitter. Criteria: Invitae Variant Classification Sherloc (09022015). Collection method: clinical testing. Allele origin: germline.
Comment: This sequence change replaces alanine with valine at codon 487 of the ELN protein (p.Ala487Val). The alanine residue is moderately conserved and there is a small physicochemical difference between alanine and valine. This variant is not present in population databases (ExAC no frequency). In summary, the available evidence is currently insufficient to determine the role of this variant in disease. Therefore, it has been classified as a Variant of Uncertain Significance. Algorithms developed to predict the effect of missense changes on protein structure and function are either unavailable or do not agree on the potential impact of this missense change (SIFT: "Tolerated"; PolyPhen-2: "Not available"; Align-GVGD: "Class C0"). This variant has not been reported in the literature in individuals with ELN-related conditions.

NM_000501.4(ELN):c.1373C>T (p.Ala458Val)

Gene: ELN (elastin; plus strand). Cytogenetic location: 7q11.23.
Variant type: single nucleotide variant.
Coding change: c.1373C>T on transcript NM_000501.4 (MANE Select); coding-DNA position 1373, C replaced by T.
Protein change: p.Ala458Val; replaces alanine 458 with valine.
Molecular consequence: missense variant. On other transcripts: intron variant (7).
Genome position (GRCh38, 1-based): chr7:74,057,655, C>T. VCF-style: chr7-74057655-C-T. GRCh37 (hg19) VCF-style: chr7-73471985-C-T.
Other names: c.1388C>T, p.Ala463Val (NM_001081754.3); c.1373C>T, p.Ala458Val (NM_001278912.2, NM_001278915.2); c.1343C>T, p.Ala448Val (NM_001278917.2); c.1460C>T, p.Ala487Val (NM_001278939.2); c.1372+942C>T (NM_001081753.3); c.1357+942C>T (NM_001081755.3); c.1315+942C>T (NM_001278916.2); c.1171+942C>T (NM_001278913.2); and 3 more; short protein forms A458V, A448V, A463V, A487V.
Identifiers: ClinVar variation 945907 (VCV000945907.9), dbSNP rs149117932, ClinGen allele CA367882874.
Genomic context (GRCh38, chr7:74,057,655, plus strand): 5'-GGGTGTGAGAGATTACTCTCTCACCCCTTCTCTTCACACCTCCAGGAGTGGGGACCCCAG[C>T]AGCTGCAGCTGCTAAAGCAGCCGCCAAAGCCGCCCAGTTTGGTAAGTCCCCCTCACCCCC-3'
Protein context (NP_000492.2, residues 448-468): KAAKYGVGTP[Ala458Val]AAAAKAAAKA